The following is an entry in ClinVar:

ClinVar aggregate classification (germline): Pathogenic (1 of 4 stars; one submission).

Conditions:
Intellectual developmental disorder, autosomal dominant 57. Also called: MENTAL RETARDATION, AUTOSOMAL DOMINANT 57; Intellectual disability, autosomal dominant 57. Identifiers: MedGen C4748003, MONDO:0054837, OMIM 618050.

Submission:

SIB Swiss Institute of Bioinformatics
Classification: Pathogenic for Intellectual developmental disorder, autosomal dominant 57. Last evaluated: 2018-10-15. Review status: criteria provided, single submitter. Criteria: ACMG Guidelines, 2015. Collection method: curation. Allele origin: germline.
Comment: This variant is interpreted as Pathogenic, for Mental retardation, autosomal dominant 57. The following ACMG Tag(s) were applied: PM2 => Absent from controls (or at extremely low frequency if recessive) in Exome Sequencing Project, 1000 Genomes Project, or Exome Aggregation Consortium. PM6 => Assumed de novo, but without confirmation of paternity and maternity (PubMed 29861108). PVS1 => Predicted nullvariant in a gene where LOF is a known mechanism of disease.

Literature cited by the submitters: PubMed 29861108.

NM_006852.6(TLK2):c.202G>T (p.Glu68Ter)

Gene: TLK2 (tousled like kinase 2; plus strand). Cytogenetic location: 17q23.2.
Variant type: single nucleotide variant.
Coding change: c.202G>T on transcript NM_006852.6 (MANE Select); coding-DNA position 202, G replaced by T.
Protein change: p.Glu68Ter; replaces glutamic acid 68 with a stop codon.
Molecular consequence: nonsense. On other transcripts: 5 prime UTR variant (2).
Genome position (GRCh38, 1-based): chr17:62,522,252, G>T. VCF-style: chr17-62522252-G-T. GRCh37 (hg19) VCF-style: chr17-60599613-G-T.
Other names: c.202G>T, p.Glu68Ter (NM_001284333.3, NM_001284363.1, NM_001375270.1 and 2 more transcripts); c.-150G>T (NM_001330418.3, NM_001375273.1); c.340G>T, p.Glu114Ter (NM_001375269.1); short protein forms E68*, E114*.
Identifiers: ClinVar variation 617923 (VCV000617923.1), dbSNP rs1567844114, ClinGen allele CA400513708.